The following is an entry in ClinVar:

ClinVar aggregate classification (germline): Uncertain significance (1 of 4 stars; one submission).

Allele frequency attached by ClinVar (database versions not stated): gnomAD exomes 0.00001.
gnomAD v4.1: 16 of 1,614,200 alleles (0.00099%); highest among the groups gnomAD compares: Admixed American, 0.0017%; no homozygotes.

Submission:

Ambry Genetics
Classification: Uncertain significance. Last evaluated: 2023-11-14. Review status: criteria provided, single submitter. Criteria: Ambry Variant Classification Scheme 2023. Collection method: clinical testing. Allele origin: germline.
Comment: The p.P148L variant (also known as c.443C>T), located in coding exon 1 of the PALLD gene, results from a C to T substitution at nucleotide position 443. The proline at codon 148 is replaced by leucine, an amino acid with similar properties. This amino acid position is conserved. In addition, this alteration is predicted to be tolerated by in silico analysis. Since supporting evidence is limited at this time, the clinical significance of this alteration remains unclear.

NM_001166108.2(PALLD):c.443C>T (p.Pro148Leu)

Gene: PALLD (palladin, cytoskeletal associated protein; plus strand). Cytogenetic location: 4q32.3.
Variant type: single nucleotide variant.
Coding change: c.443C>T on transcript NM_001166108.2 (MANE Select); coding-DNA position 443, C replaced by T.
Protein change: p.Pro148Leu; replaces proline 148 with leucine.
Molecular consequence: missense variant.
Genome position (GRCh38, 1-based): chr4:168,511,947, C>T. VCF-style: chr4-168511947-C-T. GRCh37 (hg19) VCF-style: chr4-169433098-C-T.
Other names: c.443C>T, p.Pro148Leu (NM_016081.4); short protein forms P148L.
Identifiers: ClinVar variation 1740612 (VCV001740612.2), dbSNP rs1303568984, ClinGen allele CA358726035.